The following is an entry in ClinVar:

ClinVar aggregate classification (germline): Conflicting classifications of pathogenicity. Review status: criteria provided, conflicting classifications (1 of 4 stars). 2 submissions from 2 submitters: Uncertain significance (1); Likely benign (1). Last evaluated 2024-12-02.

Conditions:
Inborn genetic diseases. Identifiers: MedGen C0950123, MeSH D030342.
FADD-related immunodeficiency. Also called: Infections, recurrent, with encephalopathy, hepatic dysfunction, and cardiovascular malformations; FADD DEFICIENCY. Identifiers: Orphanet 306550, MedGen C3151062, MONDO:0013408, OMIM 613759.

Submissions (2):

Ambry Genetics
Classification: Likely benign for Inborn genetic diseases. Last evaluated: 2024-12-02. Review status: criteria provided, single submitter. Criteria: Ambry Variant Classification Scheme 2023. Collection method: clinical testing. Allele origin: germline.

Labcorp Genetics (formerly Invitae), Labcorp
Classification: Uncertain significance for FADD-related immunodeficiency. Last evaluated: 2021-08-20. Review status: criteria provided, single submitter. Criteria: Invitae Variant Classification Sherloc (09022015). Collection method: clinical testing. Allele origin: germline.
Comment: This sequence change replaces proline with leucine at codon 195 of the FADD protein (p.Pro195Leu). The proline residue is weakly conserved and there is a moderate physicochemical difference between proline and leucine. This variant is not present in population databases (ExAC no frequency). This variant has not been reported in the literature in individuals affected with FADD-related conditions. Algorithms developed to predict the effect of missense changes on protein structure and function output the following: SIFT: "Tolerated"; PolyPhen-2: "Benign"; Align-GVGD: "Class C0". The leucine amino acid residue is found in multiple mammalian species, which suggests that this missense change does not adversely affect protein function. In summary, the available evidence is currently insufficient to determine the role of this variant in disease. Therefore, it has been classified as a Variant of Uncertain Significance.

NM_003824.4(FADD):c.584C>T (p.Pro195Leu)

Gene: FADD (Fas associated via death domain; plus strand). Cytogenetic location: 11q13.3.
Variant type: single nucleotide variant.
Coding change: c.584C>T on transcript NM_003824.4 (MANE Select); coding-DNA position 584, C replaced by T.
Protein change: p.Pro195Leu; replaces proline 195 with leucine.
Molecular consequence: missense variant.
Genome position (GRCh38, 1-based): chr11:70,206,430, C>T. VCF-style: chr11-70206430-C-T. GRCh37 (hg19) VCF-style: chr11-70052536-C-T.
Other names: c.584C>T (NM_003824.3); short protein forms P195L.
Identifiers: ClinVar variation 1361585 (VCV001361585.6), dbSNP rs1194936880, ClinGen allele CA381666542.